The following is an entry in ClinVar:

NM_004656.4(BAP1):c.1716C>T (p.Pro572=)

Gene: BAP1 (BRCA1 associated deubiquitinase 1; minus strand). Cytogenetic location: 3p21.1.
Variant type: single nucleotide variant.
Coding change: c.1716C>T on transcript NM_004656.4 (MANE Select); coding-DNA position 1716, C replaced by T.
Protein change: p.Pro572=; no amino-acid change (proline 572 retained).
Molecular consequence: synonymous variant.
Genome position (GRCh38, 1-based): chr3:52,403,429, G>A on the plus strand (C>T on the coding strand, the complement: BAP1 is on the minus strand). VCF-style: chr3-52403429-G-A. GRCh37 (hg19) VCF-style: chr3-52437445-G-A.
Identifiers: ClinVar variation 539929 (VCV000539929.16), dbSNP rs1240647699, ClinGen allele CA433885776.

ClinVar aggregate classification (germline): Benign/Likely benign. Review status: criteria provided, multiple submitters, no conflicts (2 of 4 stars). 4 submissions from 4 submitters: Benign (1); Likely benign (3). Last evaluated 2025-11-12.

Conditions:
Hereditary cancer-predisposing syndrome. Also called: Neoplastic Syndromes, Hereditary; Hereditary Cancer Syndrome; Hereditary neoplastic syndrome; Tumor predisposition. Identifiers: Orphanet 140162, MedGen C0027672, MeSH D009386, MONDO:0015356.
BAP1-related tumor predisposition syndrome (TPDS1). Also called: COMMON Syndrome; TUMOR PREDISPOSITION SYNDROME 1; BAP1 tumor predisposition syndrome; Tumor susceptibility linked to germline BAP1 mutations. Identifiers: Orphanet 289539, MedGen C3280492, MONDO:0013692, OMIM 614327.

Allele frequency attached by ClinVar (database versions not stated): gnomAD exomes below 0.00001; TOPMed below 0.00001; gnomAD 0.00001.
gnomAD v4.1: 2 of 1,613,708 alleles (0.00012%); highest among the groups gnomAD compares: South Asian, 0.0011%; no homozygotes.

Submissions (4):

Labcorp Genetics (formerly Invitae), Labcorp
Classification: Likely benign for BAP1-related tumor predisposition syndrome. Last evaluated: 2025-11-12. Review status: criteria provided, single submitter. Criteria: Invitae Variant Classification Sherloc (09022015). Collection method: clinical testing. Allele origin: germline.

Myriad Genetics, Inc.
Classification: Benign for BAP1-related tumor predisposition syndrome. Last evaluated: 2024-07-17. Review status: criteria provided, single submitter. Criteria: Myriad Autosomal Dominant, Autosomal Recessive and X-Linked Classification Criteria (2023). Collection method: clinical testing. Allele origin: unknown.
Comment: This variant is considered benign. This variant is a silent/synonymous amino acid change and it is not expected to impact splicing.

Ambry Genetics
Classification: Likely benign for Hereditary cancer-predisposing syndrome. Last evaluated: 2022-07-02. Review status: criteria provided, single submitter. Criteria: Ambry Variant Classification Scheme 2023. Collection method: clinical testing. Allele origin: germline.

Color Diagnostics, LLC DBA Color Health
Classification: Likely benign for Hereditary cancer-predisposing syndrome. Last evaluated: 2021-07-14. Review status: criteria provided, single submitter. Criteria: ACMG Guidelines, 2015. Collection method: clinical testing. Allele origin: germline.